The following is an entry in ClinVar:

NM_002500.5(NEUROD1):c.208G>C (p.Glu70Gln)

Gene: NEUROD1 (neuronal differentiation 1; minus strand). Cytogenetic location: 2q31.3.
Variant type: single nucleotide variant.
Coding change: c.208G>C on transcript NM_002500.5 (MANE Select); coding-DNA position 208, G replaced by C.
Protein change: p.Glu70Gln; replaces glutamic acid 70 with glutamine.
Molecular consequence: missense variant.
Genome position (GRCh38, 1-based): chr2:181,678,653, C>G on the plus strand (G>C on the coding strand, the complement: NEUROD1 is on the minus strand). VCF-style: chr2-181678653-C-G. GRCh37 (hg19) VCF-style: chr2-182543380-C-G.
Other names: short protein forms E70Q.
Identifiers: ClinVar variation 1955451 (VCV001955451.5), dbSNP rs2468610916, ClinGen allele CA349786923.

ClinVar aggregate classification (germline): Uncertain significance (1 of 4 stars; one submission).

Allele frequency attached by ClinVar (database versions not stated): gnomAD exomes below 0.00001.
gnomAD v4.1: 4 of 1,613,338 alleles (0.00025%); highest among the groups gnomAD compares: Non-Finnish European, 0.00034%; no homozygotes.

Submission:

Labcorp Genetics (formerly Invitae), Labcorp
Classification: Uncertain significance. Last evaluated: 2022-10-10. Review status: criteria provided, single submitter. Criteria: Invitae Variant Classification Sherloc (09022015). Collection method: clinical testing. Allele origin: germline.
Comment: In summary, the available evidence is currently insufficient to determine the role of this variant in disease. Therefore, it has been classified as a Variant of Uncertain Significance. Advanced modeling of protein sequence and biophysical properties (such as structural, functional, and spatial information, amino acid conservation, physicochemical variation, residue mobility, and thermodynamic stability) performed at Invitae indicates that this missense variant is not expected to disrupt NEUROD1 protein function. This variant has not been reported in the literature in individuals affected with NEUROD1-related conditions. This variant is not present in population databases (gnomAD no frequency). This sequence change replaces glutamic acid, which is acidic and polar, with glutamine, which is neutral and polar, at codon 70 of the NEUROD1 protein (p.Glu70Gln).